The following is an entry in ClinVar:

ClinVar aggregate classification (germline): Uncertain significance (1 of 4 stars; one submission).

Conditions:
Hereditary cancer-predisposing syndrome. Also called: Hereditary neoplastic syndrome; Neoplastic Syndromes, Hereditary; Tumor predisposition; Hereditary Cancer Syndrome. Identifiers: Orphanet 140162, MedGen C0027672, MeSH D009386, MONDO:0015356.

Submission:

Ambry Genetics
Classification: Uncertain significance for Hereditary cancer-predisposing syndrome. Last evaluated: 2025-07-28. Review status: criteria provided, single submitter. Criteria: Ambry Variant Classification Scheme 2023. Collection method: clinical testing. Allele origin: germline.
Comment: The p.N1229D variant (also known as c.3685A>G), located in coding exon 15 of the APC gene, results from an A to G substitution at nucleotide position 3685. The asparagine at codon 1229 is replaced by aspartic acid, an amino acid with highly similar properties. This amino acid position is conserved. In addition, in silico predictors for this gene do not accurately predict pathogenicity. Based on the available evidence, the clinical significance of this variant remains unclear.

NM_000038.6(APC):c.3685A>G (p.Asn1229Asp)

Gene: APC (APC regulator of Wnt signaling pathway; plus strand). Cytogenetic location: 5q22.2.
Variant type: single nucleotide variant.
Coding change: c.3685A>G on transcript NM_000038.6 (MANE Select); coding-DNA position 3685, A replaced by G.
Protein change: p.Asn1229Asp; replaces asparagine 1229 with aspartic acid.
Molecular consequence: missense variant. On other transcripts: non-coding transcript variant (2).
Genome position (GRCh38, 1-based): chr5:112,839,279, A>G. VCF-style: chr5-112839279-A-G. GRCh37 (hg19) VCF-style: chr5-112174976-A-G.
Other names: c.3685A>G, p.Asn1229Asp (NM_001354895.2, NM_001127510.3, NM_001407450.1); c.3739A>G, p.Asn1247Asp (NM_001354896.2, NM_001407447.1, NM_001407448.1 and 1 more transcripts); c.3715A>G, p.Asn1239Asp (NM_001354897.2); c.3610A>G, p.Asn1204Asp (NM_001354898.2); c.3601A>G, p.Asn1201Asp (NM_001354899.2); c.3562A>G, p.Asn1188Asp (NM_001354900.2); c.3508A>G, p.Asn1170Asp (NM_001354901.2, NM_001407453.1); c.3412A>G, p.Asn1138Asp (NM_001354902.2); and 11 more; short protein forms N1100D, N1128D, N1146D, N1229D, N1103D, N1239D, N1069D, N1188D.
Identifiers: ClinVar variation 4121203 (VCV004121203.1).